The following is an entry in ClinVar:

NM_198253.3(TERT):c.1452A>C (p.Glu484Asp)

Gene: TERT (telomerase reverse transcriptase; minus strand). Cytogenetic location: 5p15.33.
Variant type: single nucleotide variant.
Coding change: c.1452A>C on transcript NM_198253.3 (MANE Select); coding-DNA position 1452, A replaced by C.
Protein change: p.Glu484Asp; replaces glutamic acid 484 with aspartic acid.
Molecular consequence: missense variant. On other transcripts: non-coding transcript variant (2).
Genome position (GRCh38, 1-based): chr5:1,293,434, T>G on the plus strand (A>C on the coding strand, the complement: TERT is on the minus strand). VCF-style: chr5-1293434-T-G. GRCh37 (hg19) VCF-style: chr5-1293549-T-G.
Other names: c.1452A>C, p.Glu484Asp (NM_001193376.3, NM_003219.1); short protein forms E484D.
Identifiers: ClinVar variation 3237355 (VCV003237355.2), dbSNP rs2478409320.

ClinVar aggregate classification (germline): Pathogenic (1 of 4 stars; one submission).

Conditions:
Dyskeratosis congenita, autosomal dominant 2. Identifiers: MedGen C3151443, MONDO:0013521, OMIM 613989.

Submission:

Dept. of Cytogenetics, ICMR- National Institute of Immunohaematology
Classification: Pathogenic for Dyskeratosis congenita, autosomal dominant 2. Review status: criteria provided, single submitter. Criteria: ACMG Guidelines, 2015. Collection method: clinical testing. Allele origin: inherited. Affected: yes. Observed: 1 variant allele.
Comment: Identified in Compound heterozygous condition